The following is an entry in ClinVar:

ClinVar aggregate classification (germline): Uncertain significance (1 of 4 stars; one submission).

gnomAD v4.1: 1 of 1,613,664 alleles (0.000062%); highest among the groups gnomAD compares: African/African-American, 0.0013%; no homozygotes.

Submission:

Labcorp Genetics (formerly Invitae), Labcorp
Classification: Uncertain significance. Last evaluated: 2025-08-21. Review status: criteria provided, single submitter. Criteria: Invitae Variant Classification Sherloc (09022015). Collection method: clinical testing. Allele origin: germline.
Comment: This sequence change replaces leucine, which is neutral and non-polar, with methionine, which is neutral and non-polar, at codon 2138 of the RTTN protein (p.Leu2138Met). This variant is present in population databases (no rsID available, gnomAD 0.01%). This variant has not been reported in the literature in individuals affected with RTTN-related conditions. ClinVar contains an entry for this variant (Variation ID: 1912269). Invitae Evidence Modeling of protein sequence and biophysical properties (such as structural, functional, and spatial information, amino acid conservation, physicochemical variation, residue mobility, and thermodynamic stability) indicates that this missense variant is expected to disrupt RTTN protein function with a positive predictive value of 80%. In summary, the available evidence is currently insufficient to determine the role of this variant in disease. Therefore, it has been classified as a Variant of Uncertain Significance.

NM_173630.4(RTTN):c.6412C>A (p.Leu2138Met)

Gene: RTTN (rotatin; minus strand). Cytogenetic location: 18q22.2.
Variant type: single nucleotide variant.
Coding change: c.6412C>A on transcript NM_173630.4 (MANE Select); coding-DNA position 6412, C replaced by A.
Protein change: p.Leu2138Met; replaces leucine 2138 with methionine.
Molecular consequence: missense variant.
Genome position (GRCh38, 1-based): chr18:70,017,416, G>T on the plus strand (C>A on the coding strand, the complement: RTTN is on the minus strand). VCF-style: chr18-70017416-G-T. GRCh37 (hg19) VCF-style: chr18-67684652-G-T.
Other names: c.3676C>A, p.Leu1226Met (NM_001318520.2); short protein forms L1226M, L2138M.
Identifiers: ClinVar variation 1912269 (VCV001912269.5), dbSNP rs1156310217, ClinGen allele CA402682783.